The following is an entry in ClinVar:

NM_000214.3(JAG1):c.702C>T (p.Cys234=)

Gene: JAG1 (jagged canonical Notch ligand 1; minus strand). Cytogenetic location: 20p12.2.
Variant type: single nucleotide variant.
Coding change: c.702C>T on transcript NM_000214.3 (MANE Select); coding-DNA position 702, C replaced by T.
Protein change: p.Cys234=; no amino-acid change (cysteine 234 retained).
Molecular consequence: synonymous variant.
Genome position (GRCh38, 1-based): chr20:10,656,451, G>A on the plus strand (C>T on the coding strand, the complement: JAG1 is on the minus strand). VCF-style: chr20-10656451-G-A. GRCh37 (hg19) VCF-style: chr20-10637099-G-A.
Other names: c.702C>T, p.Cys234= (LRG_1191t1).
Identifiers: ClinVar variation 594514 (VCV000594514.16), dbSNP rs202109974, ClinGen allele CA9765073.

ClinVar aggregate classification (germline): Conflicting classifications of pathogenicity. Review status: criteria provided, conflicting classifications (1 of 4 stars). 5 submissions from 5 submitters: Uncertain significance (1); Benign (1); Likely benign (3). Last evaluated 2025-10-27.

Conditions:
JAG1-related disorder. Also called: JAG1-related condition; JAG1-related disorders.
Cardiovascular phenotype. Identifiers: MedGen CN230736.
Alagille syndrome due to a JAG1 point mutation. Also called: Alagille Syndrome 1; HEPATIC DUCTULAR HYPOPLASIA, SYNDROMATIC; JAG1-Related Alagille Syndrome. Identifiers: Orphanet 261619, Orphanet 52, MedGen C1956125, MONDO:0016862, OMIM 118450.

Allele frequency attached by ClinVar (database versions not stated): gnomAD exomes 0.00007 and 0.00012; ExAC 0.00014; gnomAD 0.00001 and 0.00005; TOPMed 0.00001.
gnomAD v4.1: 104 of 1,613,716 alleles (0.0064%); highest among the groups gnomAD compares: South Asian, 0.092%; 1 homozygote.

Submissions (5):

Labcorp Genetics (formerly Invitae), Labcorp
Classification: Benign for Alagille syndrome due to a JAG1 point mutation. Last evaluated: 2025-10-27. Review status: criteria provided, single submitter. Criteria: Invitae Variant Classification Sherloc (09022015). Collection method: clinical testing. Allele origin: germline.

PreventionGenetics, part of Exact Sciences
Classification: Likely benign for JAG1-related condition. Last evaluated: 2025-01-06. Review status: criteria provided, single submitter. Criteria: ACMG Guidelines, 2015. Collection method: clinical testing. Allele origin: germline.
Comment: This variant is classified as likely benign based on ACMG/AMP sequence variant interpretation guidelines (Richards et al. 2015 PMID: 25741868, with internal and published modifications).

Blueprint Genetics
Classification: Likely benign. Last evaluated: 2022-12-16. Review status: criteria provided, single submitter. Criteria: ACMG Guidelines, 2015. Collection method: clinical testing. Allele origin: germline.

Ambry Genetics
Classification: Likely benign for Cardiovascular phenotype. Last evaluated: 2022-05-24. Review status: criteria provided, single submitter. Criteria: Ambry Variant Classification Scheme 2023. Collection method: clinical testing. Allele origin: germline.

Eurofins Ntd Llc (ga)
Classification: Uncertain significance. Last evaluated: 2017-10-12. Review status: criteria provided, single submitter. Criteria: EGL Classification Definitions 2015. Collection method: clinical testing. Allele origin: germline. Observed: 2 variant alleles, 2 heterozygotes.